The following is an entry in ClinVar:

NM_015512.5(DNAH1):c.10968+2C>T

Gene: DNAH1 (dynein axonemal heavy chain 1; plus strand). Cytogenetic location: 3p21.1.
Variant type: single nucleotide variant.
Coding change: c.10968+2C>T on transcript NM_015512.5 (MANE Select); the canonical splice donor site of the intron after coding-DNA position 10968, C replaced by T.
Molecular consequence: splice donor variant.
Genome position (GRCh38, 1-based): chr3:52,395,061, C>T. VCF-style: chr3-52395061-C-T. GRCh37 (hg19) VCF-style: chr3-52429077-C-T.
Identifiers: ClinVar variation 4882604 (VCV004882604.3).

ClinVar aggregate classification (germline): Likely pathogenic. Review status: criteria provided, multiple submitters, no conflicts (2 of 4 stars). 2 submissions from 2 submitters: Likely pathogenic (2). Last evaluated 2025-11-07.

Conditions:
DNAH1-related disorders.
Spermatogenic failure 18. Identifiers: MedGen C4539783, MONDO:0054615, OMIM 617576.

gnomAD v4.1: 33 of 1,606,632 alleles (0.0021%); highest among the groups gnomAD compares: Middle Eastern, 0.033%; no homozygotes.

Submissions (2):

Dasa
Classification: Likely pathogenic for Spermatogenic failure 18. Last evaluated: 2025-11-07. Review status: criteria provided, single submitter. Criteria: DASA Assertion Criteria. Collection method: clinical testing. Allele origin: germline.
Comment: NM_015512.5(DNAH1):c.10968+2C>T affects a canonical splice site and is predicted to disrupt normal RNA splicing. Loss of function is an established disease mechanism for DNAH1-associated disorders. Also, this variant is rare in population databases. Based on the currently available evidence, this variant is classified as likely pathogenic.

Blueprint Genetics
Classification: Likely pathogenic for DNAH1-related disorders. Last evaluated: 2024-11-06. Review status: criteria provided, single submitter. Criteria: ACMG Guidelines, 2015. Collection method: clinical testing. Allele origin: germline. Affected: yes. Observed: 5 variant alleles.